The following is an entry in ClinVar:

NM_001379500.1(COL18A1):c.3056G>A (p.Gly1019Glu)

Genes: SLC19A1 (solute carrier family 19 member 1; minus strand), COL18A1 (collagen type XVIII alpha 1 chain; plus strand). Cytogenetic location: 21q22.3.
Variant type: single nucleotide variant.
Coding change: c.3056G>A on transcript NM_001379500.1 (MANE Select); coding-DNA position 3056, G replaced by A.
Protein change: p.Gly1019Glu; replaces glycine 1019 with glutamic acid.
Molecular consequence: missense variant.
Genome position (GRCh38, 1-based): chr21:45,505,400, G>A. VCF-style: chr21-45505400-G-A. GRCh37 (hg19) VCF-style: chr21-46925314-G-A.
Other names: c.3587G>A, p.Gly1196Glu (NM_030582.4); c.4292G>A, p.Gly1431Glu (NM_130444.3); short protein forms G1196E, G1431E, G1019E.
Identifiers: ClinVar variation 1953576 (VCV001953576.5), dbSNP rs2085904948, ClinGen allele CA410499745.

ClinVar aggregate classification (germline): Uncertain significance (1 of 4 stars; one submission).

Allele frequency attached by ClinVar (database versions not stated): gnomAD exomes below 0.00001; TOPMed below 0.00001; gnomAD 0.00001.
gnomAD v4.1: 4 of 1,588,802 alleles (0.00025%); highest among the groups gnomAD compares: Non-Finnish European, 0.00034%; no homozygotes.

Submission:

Labcorp Genetics (formerly Invitae), Labcorp
Classification: Uncertain significance. Last evaluated: 2022-01-20. Review status: criteria provided, single submitter. Criteria: Invitae Variant Classification Sherloc (09022015). Collection method: clinical testing. Allele origin: germline.
Comment: This sequence change replaces glycine, which is neutral and non-polar, with glutamic acid, which is acidic and polar, at codon 1016 of the COL18A1 protein (p.Gly1016Glu). This variant is not present in population databases (gnomAD no frequency). This variant has not been reported in the literature in individuals affected with COL18A1-related conditions. Experimental studies and prediction algorithms are not available or were not evaluated, and the functional significance of this variant is currently unknown. In summary, the available evidence is currently insufficient to determine the role of this variant in disease. Therefore, it has been classified as a Variant of Uncertain Significance.